The following is an entry in ClinVar:

NM_006412.4(AGPAT2):c.*102C>T

Gene: AGPAT2 (1-acylglycerol-3-phosphate O-acyltransferase 2; minus strand). Cytogenetic location: 9q34.3.
Variant type: single nucleotide variant.
Coding change: c.*102C>T on transcript NM_006412.4 (MANE Select); 102 bases downstream of the stop codon, C replaced by T.
Molecular consequence: 3 prime UTR variant.
Genome position (GRCh38, 1-based): chr9:136,673,650, G>A on the plus strand (C>T on the coding strand, the complement: AGPAT2 is on the minus strand). VCF-style: chr9-136673650-G-A. GRCh37 (hg19) VCF-style: chr9-139568102-G-A.
Other names: c.*102C>T (NM_001012727.2).
Identifiers: ClinVar variation 914526 (VCV000914526.4), dbSNP rs144522710, ClinGen allele CA201623353.

ClinVar aggregate classification (germline): Likely benign (1 of 4 stars; one submission).

Conditions:
Congenital generalized lipodystrophy type 1 (CGL1). Also called: BRUNZELL SYNDROME, AGPAT2-RELATED; Berardinelli-Seip Congenital Lipodystrophy Type 1. Identifiers: Orphanet 528, Orphanet 696189, MedGen C1720862, MONDO:0012071, OMIM 608594.

Allele frequency attached by ClinVar (database versions not stated): TOPMed 0.00032; 1000 Genomes Project 0.00060; 1000 Genomes Project 30x 0.00062.
gnomAD v4.1: 258 of 1,294,078 alleles (0.02%); highest among the groups gnomAD compares: East Asian, 0.52%; 1 homozygote.

Submission:

Illumina Laboratory Services, Illumina
Classification: Likely benign for Congenital generalized lipodystrophy type 1. Last evaluated: 2018-01-13. Review status: criteria provided, single submitter. Criteria: ICSL Variant Classification Criteria 13 December 2019. Collection method: clinical testing. Allele origin: germline.
Comment: This variant was observed in the ICSL laboratory as part of a predisposition screen in an ostensibly healthy population. It had not been previously curated by ICSL or reported in the Human Gene Mutation Database (HGMD: prior to June 1st, 2018), and was therefore a candidate for classification through an automated scoring system. Utilizing variant allele frequency, disease prevalence and penetrance estimates, and inheritance mode, an automated score was calculated to assess if this variant is too frequent to cause the disease. Based on the score and internal cut-off values, a variant classified as likely benign is not then subjected to further curation. The score for this variant resulted in a classification of likely benign for this disease.